The following is an entry in ClinVar:

NM_182643.3(DLC1):c.1159C>T (p.Arg387Trp)

Gene: DLC1 (DLC1 Rho GTPase activating protein; minus strand). Cytogenetic location: 8p22.
Variant type: single nucleotide variant.
Coding change: c.1159C>T on transcript NM_182643.3 (MANE Select); coding-DNA position 1159, C replaced by T.
Protein change: p.Arg387Trp; replaces arginine 387 with tryptophan.
Molecular consequence: missense variant. On other transcripts: 5 prime UTR variant (1).
Genome position (GRCh38, 1-based): chr8:13,401,484, G>A on the plus strand (C>T on the coding strand, the complement: DLC1 is on the minus strand). VCF-style: chr8-13401484-G-A. GRCh37 (hg19) VCF-style: chr8-13258993-G-A.
Other names: c.1159C>T, p.Arg387Trp (NM_001348081.2, NM_001413124.1, NM_001413125.1 and 1 more transcripts); c.-293C>T (NM_001348082.2); short protein forms R387W.
Identifiers: ClinVar variation 1978793 (VCV001978793.4), dbSNP rs777009688, ClinGen allele CA4639265.

ClinVar aggregate classification (germline): Uncertain significance (1 of 4 stars; one submission).

Allele frequency attached by ClinVar (database versions not stated): ExAC 0.00003.
gnomAD v4.1: 12 of 1,612,354 alleles (0.00074%); highest among the groups gnomAD compares: Middle Eastern, 0.021%; no homozygotes.

Submission:

Labcorp Genetics (formerly Invitae), Labcorp
Classification: Uncertain significance. Last evaluated: 2025-01-13. Review status: criteria provided, single submitter. Criteria: Invitae Variant Classification Sherloc (09022015). Collection method: clinical testing. Allele origin: germline.
Comment: This sequence change replaces arginine, which is basic and polar, with tryptophan, which is neutral and slightly polar, at codon 387 of the DLC1 protein (p.Arg387Trp). This variant is present in population databases (rs777009688, gnomAD 0.007%). This variant has not been reported in the literature in individuals affected with DLC1-related conditions. ClinVar contains an entry for this variant (Variation ID: 1978793). An algorithm developed to predict the effect of missense changes on protein structure and function (PolyPhen-2) suggests that this variant is likely to be disruptive. In summary, the available evidence is currently insufficient to determine the role of this variant in disease. Therefore, it has been classified as a Variant of Uncertain Significance.